The following is an entry in ClinVar:

ClinVar aggregate classification (germline): Uncertain significance (1 of 4 stars; one submission).

Conditions:
Infantile-onset ascending hereditary spastic paralysis (IAHSP). Also called: Autosomal Recessive Juvenile Amyotrophic Lateral Sclerosis; Infantile-Onset Ascending Hereditary Spastic Paralysis (IAHSP). Identifiers: Orphanet 293168, MedGen C2931441, MONDO:0011797, OMIM 607225. Disease mechanism: loss of function.

Allele frequency attached by ClinVar (database versions not stated): gnomAD exomes 0.00001 and 0.00002; ExAC 0.00002; gnomAD 0.00007 and 0.00008; TOPMed 0.00012; 1000 Genomes Project 30x 0.00031.
gnomAD v4.1: 21 of 1,613,508 alleles (0.0013%); highest among the groups gnomAD compares: African/African-American, 0.025%; no homozygotes.

Submission:

Labcorp Genetics (formerly Invitae), Labcorp
Classification: Uncertain significance for Infantile-onset ascending hereditary spastic paralysis. Last evaluated: 2019-09-16. Review status: criteria provided, single submitter. Criteria: Invitae Variant Classification Sherloc (09022015). Collection method: clinical testing. Allele origin: germline.
Comment: This sequence change replaces asparagine with histidine at codon 1241 of the ALS2 protein (p.Asn1241His). The asparagine residue is moderately conserved and there is a small physicochemical difference between asparagine and histidine. In summary, the available evidence is currently insufficient to determine the role of this variant in disease. Therefore, it has been classified as a Variant of Uncertain Significance. Algorithms developed to predict the effect of missense changes on protein structure and function (SIFT, PolyPhen-2, Align-GVGD) all suggest that this variant is likely to be tolerated, but these predictions have not been confirmed by published functional studies and their clinical significance is uncertain. This variant has not been reported in the literature in individuals with ALS2-related conditions. This variant is present in population databases (rs774125951, ExAC 0.02%).

NM_020919.4(ALS2):c.3721A>C (p.Asn1241His)

Gene: ALS2 (alsin Rho guanine nucleotide exchange factor ALS2; minus strand). Cytogenetic location: 2q33.1.
Variant type: single nucleotide variant.
Coding change: c.3721A>C on transcript NM_020919.4 (MANE Select); coding-DNA position 3721, A replaced by C.
Protein change: p.Asn1241His; replaces asparagine 1241 with histidine.
Molecular consequence: missense variant.
Genome position (GRCh38, 1-based): chr2:201,718,192, T>G on the plus strand (A>C on the coding strand, the complement: ALS2 is on the minus strand). VCF-style: chr2-201718192-T-G. GRCh37 (hg19) VCF-style: chr2-202582915-T-G.
Other names: short protein forms N1241H.
Identifiers: ClinVar variation 933609 (VCV000933609.9), dbSNP rs774125951, ClinGen allele CA2057768.